The following is an entry in ClinVar:

ClinVar aggregate classification (germline): Uncertain significance. Review status: criteria provided, multiple submitters, no conflicts (2 of 4 stars). 3 submissions from 3 submitters: Uncertain significance (3). Last evaluated 2025-03-17.

Conditions:
Glycogen storage disease, type II (IOPD). Also called: CARDIOMEGALIA GLYCOGENICA DIFFUSA; GLYCOGENOSIS, GENERALIZED, CARDIAC FORM; GSD II; Glycogen storage disease type 2; Acid maltase deficiency disease; Aglucosidase alfa. Identifiers: Orphanet 365, MedGen C0017921, MONDO:0009290, OMIM 232300.

Allele frequency attached by ClinVar (database versions not stated): gnomAD exomes below 0.00001; TOPMed below 0.00001; ExAC 0.00001; gnomAD 0.00001.
gnomAD v4.1: 6 of 1,612,156 alleles (0.00037%); highest among the groups gnomAD compares: Non-Finnish European, 0.00051%; no homozygotes.

Submissions (3):

Mayo Clinic Laboratories, Mayo Clinic
Classification: Uncertain significance. Last evaluated: 2025-03-17. Review status: criteria provided, single submitter. Criteria: ACMG Guidelines, 2015. Collection method: clinical testing. Allele origin: germline. Observed: 1 variant allele.
Comment: PM2_supporting

Labcorp Genetics (formerly Invitae), Labcorp
Classification: Uncertain significance for Glycogen storage disease, type II. Last evaluated: 2021-09-15. Review status: criteria provided, single submitter. Criteria: Invitae Variant Classification Sherloc (09022015). Collection method: clinical testing. Allele origin: germline.
Comment: This sequence change replaces isoleucine with methionine at codon 183 of the GAA protein (p.Ile183Met). The isoleucine residue is highly conserved and there is a small physicochemical difference between isoleucine and methionine. This variant is present in population databases (rs778132082, ExAC 0.002%). This variant has not been reported in the literature in individuals affected with GAA-related conditions. Algorithms developed to predict the effect of missense changes on protein structure and function (SIFT, PolyPhen-2, Align-GVGD) all suggest that this variant is likely to be tolerated. In summary, the available evidence is currently insufficient to determine the role of this variant in disease. Therefore, it has been classified as a Variant of Uncertain Significance.

GeneDx
Classification: Uncertain significance. Last evaluated: 2019-10-02. Review status: criteria provided, single submitter. Criteria: GeneDx Variant Classification Process June 2021. Collection method: clinical testing. Allele origin: germline. Affected: yes.
Comment: Has not been previously published as pathogenic or benign to our knowledge; Not observed at a significant frequency in large population cohorts (Lek et al., 2016); In silico analysis, which includes protein predictors and evolutionary conservation, supports that this variant does not alter protein structure/function

NM_000152.5(GAA):c.549C>G (p.Ile183Met)

Gene: GAA (alpha glucosidase; plus strand). Cytogenetic location: 17q25.3.
Variant type: single nucleotide variant.
Coding change: c.549C>G on transcript NM_000152.5 (MANE Select); coding-DNA position 549, C replaced by G.
Protein change: p.Ile183Met; replaces isoleucine 183 with methionine.
Molecular consequence: missense variant.
Genome position (GRCh38, 1-based): chr17:80,105,751, C>G. VCF-style: chr17-80105751-C-G. GRCh37 (hg19) VCF-style: chr17-78079550-C-G.
Other names: p.Ile183Met; c.549C>G, p.Ile183Met (NM_001079803.3, NM_001079804.3); short protein forms I183M.
Identifiers: ClinVar variation 1309104 (VCV001309104.7), dbSNP rs778132082, ClinGen allele CA8814927.
Genomic context (GRCh38, chr17:80,105,751, plus strand): 5'-TGTTCTCTGGAGAGTAAGGTGGCTGTGGGGAACATCAATAAACCCCCATCTCTTCTAGAT[C>G]AAAGATCCAGCTAACAGGCGCTACGAGGTGCCCTTGGAGACCCCGCATGTCCACAGCCGG-3'
Protein context (NP_000143.2, residues 173-193): METENRLHFT[Ile183Met]KDPANRRYEV